The following is an entry in ClinVar:

NM_017849.4(TMEM127):c.128C>G (p.Ala43Gly)

Gene: TMEM127 (transmembrane protein 127; minus strand). Cytogenetic location: 2q11.2.
Variant type: single nucleotide variant.
Coding change: c.128C>G on transcript NM_017849.4 (MANE Select); coding-DNA position 128, C replaced by G.
Protein change: p.Ala43Gly; replaces alanine 43 with glycine.
Molecular consequence: missense variant.
Genome position (GRCh38, 1-based): chr2:96,265,254, G>C on the plus strand (C>G on the coding strand, the complement: TMEM127 is on the minus strand). VCF-style: chr2-96265254-G-C. GRCh37 (hg19) VCF-style: chr2-96930992-G-C.
Other names: c.128C>G, p.Ala43Gly (NM_001193304.3); short protein forms A43G.
Identifiers: ClinVar variation 1910849 (VCV001910849.6), dbSNP rs1684392280, ClinGen allele CA347656059.

ClinVar aggregate classification (germline): Uncertain significance. Review status: criteria provided, multiple submitters, no conflicts (2 of 4 stars). 2 submissions from 2 submitters: Uncertain significance (2). Last evaluated 2025-10-24.

Conditions:
Hereditary cancer-predisposing syndrome. Also called: Tumor predisposition; Hereditary Cancer Syndrome; Hereditary neoplastic syndrome; Neoplastic Syndromes, Hereditary. Identifiers: Orphanet 140162, MedGen C0027672, MeSH D009386, MONDO:0015356.
Hereditary pheochromocytoma and paraganglioma. Also called: Hereditary paragangliomas and pheochromocytomas; Hereditary Paraganglioma-Pheochromocytoma Syndromes; Hereditary pheochromocytoma-paraganglioma. Identifiers: Orphanet 29072, MedGen C4274332, MONDO:0017366.

Submissions (2):

Labcorp Genetics (formerly Invitae), Labcorp
Classification: Uncertain significance for Hereditary pheochromocytoma and paraganglioma. Last evaluated: 2025-10-24. Review status: criteria provided, single submitter. Criteria: Invitae Variant Classification Sherloc (09022015). Collection method: clinical testing. Allele origin: germline.
Comment: This sequence change replaces alanine, which is neutral and non-polar, with glycine, which is neutral and non-polar, at codon 43 of the TMEM127 protein (p.Ala43Gly). This variant is not present in population databases (gnomAD no frequency). This variant has not been reported in the literature in individuals affected with TMEM127-related conditions. ClinVar contains an entry for this variant (Variation ID: 1910849). An algorithm developed to predict the effect of missense changes on protein structure and function (PolyPhen-2) suggests that this variant is likely to be tolerated. In summary, the available evidence is currently insufficient to determine the role of this variant in disease. Therefore, it has been classified as a Variant of Uncertain Significance.

Ambry Genetics
Classification: Uncertain significance for Hereditary cancer-predisposing syndrome. Last evaluated: 2025-05-27. Review status: criteria provided, single submitter. Criteria: Ambry Variant Classification Scheme 2023. Collection method: clinical testing. Allele origin: germline.
Comment: The p.A43G variant (also known as c.128C>G), located in coding exon 1 of the TMEM127 gene, results from a C to G substitution at nucleotide position 128. The alanine at codon 43 is replaced by glycine, an amino acid with similar properties. This amino acid position is conserved. In addition, the in silico prediction for this alteration is inconclusive. Based on the available evidence, the clinical significance of this variant remains unclear.